The following is an entry in ClinVar:

ClinVar aggregate classification (germline): Pathogenic (1 of 4 stars; one submission).

Conditions:
Coffin-Lowry syndrome (CLS). Also called: COFFIN-LOWRY SYNDROME, MILD; Mental retardation with osteocartilaginous abnormalities. Identifiers: Orphanet 192, MedGen C0265252, MONDO:0010561, OMIM 303600.

Submission:

Laboratory of Medical Genetics, National & Kapodistrian University of Athens
Classification: Pathogenic for Coffin-Lowry syndrome. Last evaluated: 2018-12-03. Review status: criteria provided, single submitter. Criteria: ACMG Guidelines, 2015. Collection method: clinical testing. Allele origin: de novo. Affected: yes.
Comment: PVS1, PM1, PM2, PP3

NM_004586.3(RPS6KA3):c.932T>G (p.Leu311Ter)

Gene: RPS6KA3 (ribosomal protein S6 kinase A3; minus strand). Cytogenetic location: Xp22.12.
Variant type: single nucleotide variant.
Coding change: c.932T>G on transcript NM_004586.3 (MANE Select); coding-DNA position 932, T replaced by G.
Protein change: p.Leu311Ter; replaces leucine 311 with a stop codon.
Molecular consequence: nonsense.
Genome position (GRCh38, 1-based): chrX:20,176,998, A>C on the plus strand (T>G on the coding strand, the complement: RPS6KA3 is on the minus strand). VCF-style: chrX-20176998-A-C. GRCh37 (hg19) VCF-style: chrX-20195116-A-C.
Other names: short protein forms L311*.
Identifiers: ClinVar variation 637053 (VCV000637053.1), dbSNP rs1603422403, ClinGen allele CA412518228.